The following is an entry in ClinVar:

NM_006361.6(HOXB13):c.213G>A (p.Gln71=)

Gene: HOXB13 (homeobox B13; minus strand). Cytogenetic location: 17q21.32.
Variant type: single nucleotide variant.
Coding change: c.213G>A on transcript NM_006361.6 (MANE Select); coding-DNA position 213, G replaced by A.
Protein change: p.Gln71=; no amino-acid change (glutamine 71 retained).
Molecular consequence: synonymous variant.
Genome position (GRCh38, 1-based): chr17:48,728,381, C>T on the plus strand (G>A on the coding strand, the complement: HOXB13 is on the minus strand). VCF-style: chr17-48728381-C-T. GRCh37 (hg19) VCF-style: chr17-46805743-C-T.
Other names: c.213G>A (NM_006361.5).
Identifiers: ClinVar variation 1479610 (VCV001479610.9), dbSNP rs1453171411, ClinGen allele CA500662017.

ClinVar aggregate classification (germline): Benign/Likely benign. Review status: criteria provided, multiple submitters, no conflicts (2 of 4 stars). 4 submissions from 4 submitters: Benign (1); Likely benign (3). Last evaluated 2024-10-29.

Conditions:
Prostate cancer, hereditary, 9 (HPC9). Identifiers: Orphanet 1331, MedGen C1970250, MONDO:0012597, OMIM 610997.
Hereditary cancer-predisposing syndrome. Also called: Tumor predisposition; Hereditary neoplastic syndrome; Hereditary Cancer Syndrome; Neoplastic Syndromes, Hereditary. Identifiers: Orphanet 140162, MedGen C0027672, MeSH D009386, MONDO:0015356.

Allele frequency attached by ClinVar (database versions not stated): gnomAD exomes below 0.00001; TOPMed below 0.00001.

Submissions (4):

Myriad Genetics, Inc.
Classification: Benign for Prostate cancer, hereditary, 9. Last evaluated: 2024-10-29. Review status: criteria provided, single submitter. Criteria: Myriad Autosomal Dominant, Autosomal Recessive and X-Linked Classification Criteria (2023). Collection method: clinical testing. Allele origin: unknown.
Comment: This variant is considered benign. This variant is a silent/synonymous amino acid change and it is not expected to impact splicing.

Ambry Genetics
Classification: Likely benign for Hereditary cancer-predisposing syndrome. Last evaluated: 2024-05-23. Review status: criteria provided, single submitter. Criteria: Ambry Variant Classification Scheme 2023. Collection method: clinical testing. Allele origin: germline.

Blueprint Genetics
Classification: Likely benign. Last evaluated: 2024-03-21. Review status: criteria provided, single submitter. Criteria: ACMG Guidelines, 2015. Collection method: clinical testing. Allele origin: germline.

Labcorp Genetics (formerly Invitae), Labcorp
Classification: Likely benign. Last evaluated: 2024-01-08. Review status: criteria provided, single submitter. Criteria: Invitae Variant Classification Sherloc (09022015). Collection method: clinical testing. Allele origin: germline.